The following is an entry in ClinVar:

ClinVar aggregate classification (germline): Uncertain significance (1 of 4 stars; one submission).

Conditions:
Hereditary cancer-predisposing syndrome. Also called: Neoplastic Syndromes, Hereditary; Tumor predisposition; Hereditary Cancer Syndrome; Hereditary neoplastic syndrome. Identifiers: Orphanet 140162, MedGen C0027672, MeSH D009386, MONDO:0015356.

Submission:

Ambry Genetics
Classification: Uncertain significance for Hereditary cancer-predisposing syndrome. Last evaluated: 2025-12-18. Review status: criteria provided, single submitter. Criteria: Ambry Variant Classification Scheme 2023. Collection method: clinical testing. Allele origin: germline.
Comment: The p.I413N variant (also known as c.1238T>A), located in coding exon 9 of the FH gene, results from a T to A substitution at nucleotide position 1238. The isoleucine at codon 413 is replaced by asparagine, an amino acid with dissimilar properties. This amino acid position is conserved. In addition, this alteration is predicted to be deleterious by in silico analysis. Based on the available evidence, the clinical significance of this variant remains unclear.

NM_000143.4(FH):c.1238T>A (p.Ile413Asn)

Gene: FH (fumarate hydratase; minus strand). Cytogenetic location: 1q43.
Variant type: single nucleotide variant.
Coding change: c.1238T>A on transcript NM_000143.4 (MANE Select); coding-DNA position 1238, T replaced by A.
Protein change: p.Ile413Asn; replaces isoleucine 413 with asparagine.
Molecular consequence: missense variant.
Genome position (GRCh38, 1-based): chr1:241,500,589, A>T on the plus strand (T>A on the coding strand, the complement: FH is on the minus strand). VCF-style: chr1-241500589-A-T. GRCh37 (hg19) VCF-style: chr1-241663889-A-T.
Other names: short protein forms I413N.
Identifiers: ClinVar variation 4838286 (VCV004838286.1).